The following is an entry in ClinVar:

ClinVar aggregate classification (germline): Uncertain significance (1 of 4 stars; one submission).

gnomAD v4.1: 5 of 1,612,880 alleles (0.00031%); highest among the groups gnomAD compares: Middle Eastern, 0.05%; no homozygotes.

Submission:

Labcorp Genetics (formerly Invitae), Labcorp
Classification: Uncertain significance. Last evaluated: 2025-06-05. Review status: criteria provided, single submitter. Criteria: Invitae Variant Classification Sherloc (09022015). Collection method: clinical testing. Allele origin: germline.
Comment: This sequence change affects codon 365 of the VPS33A mRNA. It is a 'silent' change, meaning that it does not change the encoded amino acid sequence of the VPS33A protein. It affects a nucleotide within the consensus splice site. This variant is present in population databases (no rsID available, gnomAD 0.003%). This variant has not been reported in the literature in individuals affected with VPS33A-related conditions. Algorithms developed to predict the effect of sequence changes on RNA splicing suggest that this variant is not likely to affect RNA splicing. In summary, the available evidence is currently insufficient to determine the role of this variant in disease. Therefore, it has been classified as a Variant of Uncertain Significance.

NM_022916.6(VPS33A):c.1095T>C (p.Thr365=)

Gene: VPS33A (VPS33A core subunit of CORVET and HOPS complexes; minus strand). Cytogenetic location: 12q24.31.
Variant type: single nucleotide variant.
Coding change: c.1095T>C on transcript NM_022916.6 (MANE Select); coding-DNA position 1095, T replaced by C.
Protein change: p.Thr365=; no amino-acid change (threonine 365 retained).
Molecular consequence: synonymous variant. On other transcripts: intron variant (1).
Genome position (GRCh38, 1-based): chr12:122,242,383, A>G on the plus strand (T>C on the coding strand, the complement: VPS33A is on the minus strand). VCF-style: chr12-122242383-A-G. GRCh37 (hg19) VCF-style: chr12-122726930-A-G.
Other names: c.1062T>C, p.Thr354= (NM_001351018.2); c.1047T>C, p.Thr349= (NM_001351019.2); c.776-2438T>C (NM_001351020.2).
Identifiers: ClinVar variation 4750260 (VCV004750260.1).